The following is an entry in ClinVar:

NM_000077.5(CDKN2A):c.458-64C>G

Gene: CDKN2A (cyclin dependent kinase inhibitor 2A; minus strand). Cytogenetic location: 9p21.3.
Variant type: single nucleotide variant.
Coding change: c.458-64C>G on transcript NM_000077.5 (MANE Select); 64 bases into the intron before coding-DNA position 458, C replaced by G.
Molecular consequence: intron variant.
Genome position (GRCh38, 1-based): chr9:21,968,306, G>C on the plus strand (C>G on the coding strand, the complement: CDKN2A is on the minus strand). VCF-style: chr9-21968306-G-C. GRCh37 (hg19) VCF-style: chr9-21968305-G-C.
Other names: c.305-64C>G (NM_001363763.2); c.*102-64C>G (NM_058195.4); c.*151-64C>G (NM_001195132.2); c.*381-64C>G (NM_058197.5).
Identifiers: ClinVar variation 4294151 (VCV004294151.1).

ClinVar aggregate classification (germline): Benign (1 of 4 stars; one submission).

Conditions:
Melanoma-pancreatic cancer syndrome. Identifiers: Orphanet 404560, MedGen C1838547, MONDO:0011713, OMIM 606719. Disease mechanism: loss of function.

Submission:

Myriad Genetics, Inc.
Classification: Benign for Melanoma-pancreatic cancer syndrome. Last evaluated: 2025-08-18. Review status: criteria provided, single submitter. Criteria: Myriad Autosomal Dominant, Autosomal Recessive and X-Linked Classification Criteria (2023). Collection method: clinical testing. Allele origin: unknown.
Comment: This variant is considered benign. This variant is intronic and is not expected to impact mRNA splicing.